The following is an entry in ClinVar:

ClinVar aggregate classification (germline): Benign/Likely benign. Review status: criteria provided, multiple submitters, no conflicts (2 of 4 stars). 6 submissions from 6 submitters: Benign (4); Likely benign (1). 1 of the submissions does not count toward it. Last evaluated 2026-02-03.

Conditions:
Neuronal ceroid lipofuscinosis. Also called: Neuronal Ceroid Lipofuscinoses. Identifiers: Orphanet 216, Orphanet 79263, MedGen C0027877, MONDO:0016295. Disease mechanism: loss of function.

Allele frequency attached by ClinVar (database versions not stated): gnomAD exomes 0.02978 and 0.06606; ESP Exome Variant Server 0.07835; gnomAD 0.07843 and 0.07912; 1000 Genomes Project 30x 0.08245; TOPMed 0.08356; ExAC 0.08549; 1000 Genomes Project 0.08766.
gnomAD v4.1: 52,040 of 1,457,746 alleles (3.6%); highest among the groups gnomAD compares: East Asian, 10%; 2,347 homozygotes.

Submissions (6):

Labcorp Genetics (formerly Invitae), Labcorp
Classification: Benign for Neuronal ceroid lipofuscinosis. Last evaluated: 2026-02-03. Review status: criteria provided, single submitter. Criteria: Invitae Variant Classification Sherloc (09022015). Collection method: clinical testing. Allele origin: germline.

Blueprint Genetics
Classification: Likely benign. Last evaluated: 2024-11-28. Review status: criteria provided, single submitter. Criteria: ACMG Guidelines, 2015. Collection method: clinical testing. Allele origin: germline.

GeneDx
Classification: Benign. Last evaluated: 2013-12-02. Review status: criteria provided, single submitter. Criteria: GeneDx Variant Classification (06012015). Collection method: clinical testing. Allele origin: germline. Affected: yes.
Comment: This variant is considered likely benign or benign based on one or more of the following criteria: it is a conservative change, it occurs at a poorly conserved position in the protein, it is predicted to be benign by multiple in silico algorithms, and/or has population frequency not consistent with disease.

Breakthrough Genomics
Classification: Benign. Review status: criteria provided, single submitter. Criteria: ACMG Guidelines, 2015. Collection method: not provided. Allele origin: germline. Inheritance: Autosomal dominant inheritance. Affected: yes.

PreventionGenetics, part of Exact Sciences
Classification: Benign. Review status: criteria provided, single submitter. Criteria: ACMG Guidelines, 2015. Collection method: clinical testing. Allele origin: germline.

Mayo Clinic Laboratories, Mayo Clinic
Classification: Benign. Last evaluated: 2017-01-04. Review status: no assertion criteria provided. Collection method: clinical testing. Allele origin: unknown. Not counted in ClinVar's aggregate classification.

NM_025219.3(DNAJC5):c.321+20C>T

Gene: DNAJC5 (DnaJ heat shock protein family (Hsp40) member C5; plus strand). Cytogenetic location: 20q13.33.
Variant type: single nucleotide variant.
Coding change: c.321+20C>T on transcript NM_025219.3 (MANE Select); 20 bases into the intron after coding-DNA position 321, C replaced by T.
Molecular consequence: intron variant.
Genome position (GRCh38, 1-based): chr20:63,929,545, C>T. VCF-style: chr20-63929545-C-T. GRCh37 (hg19) VCF-style: chr20-62560898-C-T.
Identifiers: ClinVar variation 137123 (VCV000137123.15), dbSNP rs2295436, ClinGen allele CA290644.